The following is an entry in ClinVar:

NM_003072.5(SMARCA4):c.1743GAA[1] (p.Lys588del)

Gene: SMARCA4 (SWI/SNF related BAF chromatin remodeling complex subunit ATPase 4; plus strand). Cytogenetic location: 19p13.2.
Variant type: Microsatellite.
Coding change: c.1743GAA[1] on transcript NM_003072.5 (MANE Select); one copy of the 3-base unit GAA starting at c.1743; the reference has two copies in a row; one copy, 3 bases deleted.
Protein change: p.Lys588del; deletes lysine 588.
Molecular consequence: inframe deletion. On other transcripts: non-coding transcript variant (1).
Genome position (GRCh38, 1-based): chr19:10,996,365-10,996,367, GAA deleted; deleting any 3 consecutive bases within chr19:10,996,360-10,996,367 gives the same sequence; the position shown is the placement nearest the transcript's 3' end. VCF-style (leftmost placement, unchanged base first): chr19-10996359-AAAG-A. GRCh37 (hg19) VCF-style: chr19-11107035-AAAG-A.
Other names: c.1743GAA[1], p.Lys588del (NM_001128844.3, NM_001128845.2, NM_001128846.2 and 5 more transcripts); short protein forms K588del.
Identifiers: ClinVar variation 819991 (VCV000819991.13), dbSNP rs747503505, ClinGen allele CA9203860.

ClinVar aggregate classification (germline): Uncertain significance. Review status: criteria provided, multiple submitters, no conflicts (2 of 4 stars). 2 submissions from 2 submitters: Uncertain significance (2). Last evaluated 2024-10-01.

Conditions:
Hereditary cancer-predisposing syndrome. Also called: Neoplastic Syndromes, Hereditary; Tumor predisposition; Hereditary Cancer Syndrome; Hereditary neoplastic syndrome. Identifiers: Orphanet 140162, MedGen C0027672, MeSH D009386, MONDO:0015356.
Rhabdoid tumor predisposition syndrome 2 (RTPS2). Identifiers: Orphanet 231108, Orphanet 69077, MedGen C2750074, MONDO:0013224, OMIM 613325.

Submissions (2):

Ambry Genetics
Classification: Uncertain significance for Hereditary cancer-predisposing syndrome. Last evaluated: 2024-10-01. Review status: criteria provided, single submitter. Criteria: Ambry Variant Classification Scheme 2023. Collection method: clinical testing. Allele origin: germline.
Comment: The c.1746_1748delGAA variant (also known as p.K588del) is located in coding exon 9 of the SMARCA4 gene. This variant results from an in-frame GAA deletion at nucleotide positions 1746 to 1748. This results in the in-frame deletion of a lysine at codon 588. This amino acid position is highly conserved in available vertebrate species. In addition, the in silico prediction for this alteration is inconclusive (Choi Y et al. PLoS ONE. 2012; 7(10):e46688). Based on the available evidence, the clinical significance of this variant remains unclear.

Labcorp Genetics (formerly Invitae), Labcorp
Classification: Uncertain significance for Rhabdoid tumor predisposition syndrome 2. Last evaluated: 2022-10-17. Review status: criteria provided, single submitter. Criteria: Invitae Variant Classification Sherloc (09022015). Collection method: clinical testing. Allele origin: germline.
Comment: This variant has not been reported in the literature in individuals affected with SMARCA4-related conditions. In summary, the available evidence is currently insufficient to determine the role of this variant in disease. Therefore, it has been classified as a Variant of Uncertain Significance. Experimental studies and prediction algorithms are not available or were not evaluated, and the functional significance of this variant is currently unknown. ClinVar contains an entry for this variant (Variation ID: 819991). This variant is present in population databases (rs769203297, gnomAD 0.006%). This variant, c.1746_1748del, results in the deletion of 1 amino acid(s) of the SMARCA4 protein (p.Lys588del), but otherwise preserves the integrity of the reading frame.